The following is an entry in ClinVar:

NM_004360.5(CDH1):c.303C>A (p.Tyr101Ter)

Gene: CDH1 (cadherin 1; plus strand). Cytogenetic location: 16q22.1.
Variant type: single nucleotide variant.
Coding change: c.303C>A on transcript NM_004360.5 (MANE Select); coding-DNA position 303, C replaced by A.
Protein change: p.Tyr101Ter; replaces tyrosine 101 with a stop codon.
Molecular consequence: nonsense. On other transcripts: 5 prime UTR variant (2).
Genome position (GRCh38, 1-based): chr16:68,801,809, C>A. VCF-style: chr16-68801809-C-A. GRCh37 (hg19) VCF-style: chr16-68835712-C-A.
Other names: c.303C>A, p.Tyr101Ter (NM_001317184.2); c.-1313C>A (NM_001317185.2); c.-1517C>A (NM_001317186.2); short protein forms Y101*.
Identifiers: ClinVar variation 1799127 (VCV001799127.2), dbSNP rs150789339, ClinGen allele CA396457345.
Genomic context (GRCh38, chr16:68,801,809, plus strand): 5'-TGTGATTACAGTCAAAAGGCCTCTACGGTTTCATAACCCACAGATCCATTTCTTGGTCTA[C>A]GCCTGGGACTCCACCTACAGAAAGTTTTCCACCAAAGTCACGCTGAATACAGTGGGGCAC-3'

ClinVar aggregate classification (germline): Pathogenic (1 of 4 stars; one submission).

Conditions:
Hereditary cancer-predisposing syndrome. Also called: Neoplastic Syndromes, Hereditary; Tumor predisposition; Hereditary Cancer Syndrome; Hereditary neoplastic syndrome. Identifiers: Orphanet 140162, MedGen C0027672, MeSH D009386, MONDO:0015356.

Submission:

Ambry Genetics
Classification: Pathogenic for Hereditary cancer-predisposing syndrome. Last evaluated: 2021-10-19. Review status: criteria provided, single submitter. Criteria: Ambry Variant Classification Scheme 2023. Collection method: clinical testing. Allele origin: germline.
Comment: The p.Y101* pathogenic mutation (also known as c.303C>A), located in coding exon 3 of the CDH1 gene, results from a C to A substitution at nucleotide position 303. This changes the amino acid from a tyrosine to a stop codon within coding exon 3. This variant is considered to be rare based on population cohorts in the Genome Aggregation Database (gnomAD). This alteration is expected to result in loss of function by premature protein truncation or nonsense-mediated mRNA decay. As such, this alteration is interpreted as a disease-causing mutation.